The following is an entry in ClinVar:

ClinVar aggregate classification (germline): Uncertain significance. Review status: criteria provided, multiple submitters, no conflicts (2 of 4 stars). 2 submissions from 2 submitters: Uncertain significance (2). Last evaluated 2024-10-03.

Conditions:
Cardiovascular phenotype. Identifiers: MedGen CN230736.
Dilated cardiomyopathy 2B. Identifiers: Orphanet 154, MedGen C3553409, MONDO:0013848, OMIM 614672.

Allele frequency attached by ClinVar (database versions not stated): gnomAD exomes 0.00001 and 0.00002; gnomAD 0.00007; TOPMed 0.00008.
gnomAD v4.1: 18 of 1,611,240 alleles (0.0011%); highest among the groups gnomAD compares: Admixed American, 0.03%; no homozygotes.

Submissions (2):

Ambry Genetics
Classification: Uncertain significance for Cardiovascular phenotype. Last evaluated: 2024-10-03. Review status: criteria provided, single submitter. Criteria: Ambry Variant Classification Scheme 2023. Collection method: clinical testing. Allele origin: germline.
Comment: The c.375+3A>G intronic variant results from an A to G substitution 3 nucleotides after coding exon 2 in the GATAD1 gene. This nucleotide position is well conserved in available vertebrate species. In silico splice site analysis predicts that this alteration will not have any significant effect on splicing. The evidence for this gene-disease relationship is limited; therefore, the clinical significance of this alteration is unclear.

Labcorp Genetics (formerly Invitae), Labcorp
Classification: Uncertain significance for Dilated cardiomyopathy 2B. Last evaluated: 2021-07-28. Review status: criteria provided, single submitter. Criteria: Invitae Variant Classification Sherloc (09022015). Collection method: clinical testing. Allele origin: germline.
Comment: In summary, the available evidence is currently insufficient to determine the role of this variant in disease. Therefore, it has been classified as a Variant of Uncertain Significance. Nucleotide substitutions within the consensus splice site are a relatively common cause of aberrant splicing (PMID: 17576681, 9536098). Algorithms developed to predict the effect of sequence changes on RNA splicing suggest that this variant may disrupt the consensus splice site. This variant has not been reported in the literature in individuals affected with GATAD1-related conditions. This variant is not present in population databases (ExAC no frequency). This sequence change falls in intron 2 of the GATAD1 gene. It does not directly change the encoded amino acid sequence of the GATAD1 protein. It affects a nucleotide within the consensus splice site of the intron.

Literature cited by the submitters: PubMed 17576681 (cited by Labcorp Genetics (formerly Invitae), Labcorp); PubMed 9536098 (cited by Labcorp Genetics (formerly Invitae), Labcorp).

NM_021167.5(GATAD1):c.375+3A>G

Gene: GATAD1 (GATA zinc finger domain containing 1; plus strand). Cytogenetic location: 7q21.2.
Variant type: single nucleotide variant.
Coding change: c.375+3A>G on transcript NM_021167.5 (MANE Select); 3 bases into the intron after coding-DNA position 375, A replaced by G.
Molecular consequence: intron variant.
Genome position (GRCh38, 1-based): chr7:92,448,880, A>G. VCF-style: chr7-92448880-A-G. GRCh37 (hg19) VCF-style: chr7-92078194-A-G.
Other names: c.375+3A>G (NM_021167.3).
Identifiers: ClinVar variation 1400160 (VCV001400160.7), dbSNP rs1227573993, ClinGen allele CA576299340.